The following is an entry in ClinVar:

ClinVar aggregate classification (germline): Uncertain significance (1 of 4 stars; one submission).

Submission:

Ambry Genetics
Classification: Uncertain significance. Last evaluated: 2024-08-17. Review status: criteria provided, single submitter. Criteria: Ambry Variant Classification Scheme 2023. Collection method: clinical testing. Allele origin: germline.
Comment: The p.R356G variant (also known as c.1066A>G), located in coding exon 10 of the BUB1 gene, results from an A to G substitution at nucleotide position 1066. The arginine at codon 356 is replaced by glycine, an amino acid with dissimilar properties. This amino acid position is conserved. In addition, this alteration is predicted to be tolerated by in silico analysis. Since supporting evidence is limited at this time, the clinical significance of this alteration remains unclear.

NM_004336.5(BUB1):c.1066A>G (p.Arg356Gly)

Gene: BUB1 (BUB1 mitotic checkpoint serine/threonine kinase; minus strand). Cytogenetic location: 2q13.
Variant type: single nucleotide variant.
Coding change: c.1066A>G on transcript NM_004336.5 (MANE Select); coding-DNA position 1066, A replaced by G.
Protein change: p.Arg356Gly; replaces arginine 356 with glycine.
Molecular consequence: missense variant.
Genome position (GRCh38, 1-based): chr2:110,661,733, T>C on the plus strand (A>G on the coding strand, the complement: BUB1 is on the minus strand). VCF-style: chr2-110661733-T-C. GRCh37 (hg19) VCF-style: chr2-111419310-T-C.
Other names: c.1006A>G, p.Arg336Gly (NM_001278616.2); c.1066A>G, p.Arg356Gly (NM_001278617.2); short protein forms R356G, R336G.
Identifiers: ClinVar variation 1781793 (VCV001781793.3), dbSNP rs2468017521, ClinGen allele CA348214482.